The following is an entry in ClinVar:

ClinVar aggregate classification (germline): Conflicting classifications of pathogenicity. Review status: criteria provided, conflicting classifications (1 of 4 stars). 2 submissions from 2 submitters: Uncertain significance (1); Likely benign (1). Last evaluated 2025-08-22.

Conditions:
Inborn genetic diseases. Identifiers: MedGen C0950123, MeSH D030342.

Allele frequency attached by ClinVar (database versions not stated): gnomAD exomes 0.00002; gnomAD 0.00001; TOPMed 0.00001.
gnomAD v4.1: 35 of 1,610,384 alleles (0.0022%); highest among the groups gnomAD compares: Non-Finnish European, 0.0027%; no homozygotes.

Submissions (2):

Ambry Genetics
Classification: Likely benign for Inborn genetic diseases. Last evaluated: 2025-08-22. Review status: criteria provided, single submitter. Criteria: Ambry Variant Classification Scheme 2023. Collection method: clinical testing. Allele origin: germline.

Labcorp Genetics (formerly Invitae), Labcorp
Classification: Uncertain significance. Last evaluated: 2022-09-01. Review status: criteria provided, single submitter. Criteria: Invitae Variant Classification Sherloc (09022015). Collection method: clinical testing. Allele origin: germline.
Comment: This sequence change replaces glycine, which is neutral and non-polar, with glutamic acid, which is acidic and polar, at codon 497 of the LTBP2 protein (p.Gly497Glu). The frequency data for this variant in the population databases is considered unreliable, as metrics indicate poor data quality at this position in the gnomAD database. This variant has not been reported in the literature in individuals affected with LTBP2-related conditions. ClinVar contains an entry for this variant (Variation ID: 1438561). Algorithms developed to predict the effect of missense changes on protein structure and function output the following: SIFT: "Tolerated"; PolyPhen-2: "Benign"; Align-GVGD: "Class C0". The glutamic acid amino acid residue is found in multiple mammalian species, which suggests that this missense change does not adversely affect protein function. Algorithms developed to predict the effect of sequence changes on RNA splicing suggest that this variant may disrupt the consensus splice site. In summary, the available evidence is currently insufficient to determine the role of this variant in disease. Therefore, it has been classified as a Variant of Uncertain Significance.

NM_000428.3(LTBP2):c.1490G>A (p.Gly497Glu)

Gene: LTBP2 (latent transforming growth factor beta binding protein 2; minus strand). Cytogenetic location: 14q24.3.
Variant type: single nucleotide variant.
Coding change: c.1490G>A on transcript NM_000428.3 (MANE Select); coding-DNA position 1490, G replaced by A.
Protein change: p.Gly497Glu; replaces glycine 497 with glutamic acid.
Molecular consequence: missense variant.
Genome position (GRCh38, 1-based): chr14:74,551,260, C>T on the plus strand (G>A on the coding strand, the complement: LTBP2 is on the minus strand). VCF-style: chr14-74551260-C-T. GRCh37 (hg19) VCF-style: chr14-75017963-C-T.
Other names: c.1490G>A (NM_000428.2); short protein forms G497E.
Identifiers: ClinVar variation 1438561 (VCV001438561.6), dbSNP rs1452715525, ClinGen allele CA390398870.